The following is an entry in ClinVar:

ClinVar aggregate classification (germline): Pathogenic (1 of 4 stars; one submission).

Conditions:
Hyperlysinemia. Also called: Hyperlysinemias. Identifiers: Orphanet 2203, MedGen C0268553, MONDO:0009388, HP:0002161.

Submission:

Women's Health and Genetics/Laboratory Corporation of America, LabCorp
Classification: Pathogenic for Hyperlysinemia. Last evaluated: 2024-11-27. Review status: criteria provided, single submitter. Criteria: LabCorp Variant Classification Summary - May 2015. Collection method: clinical testing. Allele origin: germline.
Comment: Variant summary: The variant involves the deletion of exons 1-4 in the AASS gene. The exact breakpoint at the 5' end of this variant is unknown, therefore this deletion may extend upstream of the annotated region of this gene. Although the exact breakpoints of this deletion are not known, it is predicted to remove the initiation codon and result in an absence of protein or a truncation of the encoded protein due to translation initiation at a downstream site. A presumed nomenclature of c.(?_-105)_(472+1_473-1)del has been designated for the purposes of this classification. A deletion similar to this variant allele was found at a frequency of 0.000046 in 21694 control chromosomes in the gnomAD structural variants data set.To our knowledge, no occurrence of c.(?_-105)_(472+1_473-1)del in individuals affected with Hyperlysinemia and no experimental evidence demonstrating its impact on protein function have been reported. No submitters have cited clinical-significance assessments for this variant to ClinVar. Based on the evidence outlined above, the variant was classified as pathogenic.

NC_000007.13:g.(121758685_121766428)_(121784304_?)del

Gene: AASS (aminoadipate-semialdehyde synthase; minus strand). Cytogenetic location: 7q31.32.
Variant type: Deletion.
Identifiers: ClinVar variation 3629522 (VCV003629522.2).